The following is an entry in ClinVar:

NM_016156.6(MTMR2):c.1723C>G (p.Leu575Val)

Gene: MTMR2 (myotubularin related protein 2; minus strand). Cytogenetic location: 11q21.
Variant type: single nucleotide variant.
Coding change: c.1723C>G on transcript NM_016156.6 (MANE Select); coding-DNA position 1723, C replaced by G.
Protein change: p.Leu575Val; replaces leucine 575 with valine.
Molecular consequence: missense variant.
Genome position (GRCh38, 1-based): chr11:95,836,195, G>C on the plus strand (C>G on the coding strand, the complement: MTMR2 is on the minus strand). VCF-style: chr11-95836195-G-C. GRCh37 (hg19) VCF-style: chr11-95569359-G-C.
Other names: c.1507C>G, p.Leu503Val (NM_001243571.2, NM_201278.3, NM_201281.3); short protein forms L503V, L575V.
Identifiers: ClinVar variation 935518 (VCV000935518.11), dbSNP rs1863269909, ClinGen allele CA382414160.

ClinVar aggregate classification (germline): Uncertain significance. Review status: criteria provided, multiple submitters, no conflicts (2 of 4 stars). 2 submissions from 2 submitters: Uncertain significance (2). Last evaluated 2022-09-29.

Conditions:
Inborn genetic diseases. Identifiers: MedGen C0950123, MeSH D030342.
Charcot-Marie-Tooth disease type 4. Also called: Charcot-Marie-Tooth, Type 4; Charcot-Marie-Tooth disease, type IV. Identifiers: Orphanet 64749, MedGen C4082197, MONDO:0018995.

Allele frequency attached by ClinVar (database versions not stated): gnomAD exomes below 0.00001.
gnomAD v4.1: 4 of 1,613,032 alleles (0.00025%); highest among the groups gnomAD compares: Middle Eastern, 0.033%; no homozygotes.

Submissions (2):

Ambry Genetics
Classification: Uncertain significance for Inborn genetic diseases. Last evaluated: 2022-09-29. Review status: criteria provided, single submitter. Criteria: Ambry Variant Classification Scheme 2023. Collection method: clinical testing. Allele origin: germline.
Comment: The p.L575V variant (also known as c.1723C>G), located in coding exon 14 of the MTMR2 gene, results from a C to G substitution at nucleotide position 1723. The leucine at codon 575 is replaced by valine, an amino acid with highly similar properties. This amino acid position is conserved. In addition, this alteration is predicted to be deleterious by in silico analysis. Since supporting evidence is limited at this time, the clinical significance of this alteration remains unclear.

Labcorp Genetics (formerly Invitae), Labcorp
Classification: Uncertain significance for Charcot-Marie-Tooth disease type 4. Last evaluated: 2019-05-31. Review status: criteria provided, single submitter. Criteria: Invitae Variant Classification Sherloc (09022015). Collection method: clinical testing. Allele origin: germline.
Comment: In summary, the available evidence is currently insufficient to determine the role of this variant in disease. Therefore, it has been classified as a Variant of Uncertain Significance. Algorithms developed to predict the effect of sequence changes on RNA splicing suggest that this variant may create or strengthen a splice site, but this prediction has not been confirmed by published transcriptional studies. Algorithms developed to predict the effect of missense changes on protein structure and function (SIFT, PolyPhen-2, Align-GVGD) all suggest that this variant is likely to be tolerated, but these predictions have not been confirmed by published functional studies and their clinical significance is uncertain. This variant has not been reported in the literature in individuals with MTMR2-related conditions. This variant is not present in population databases (ExAC no frequency). This sequence change replaces leucine with valine at codon 575 of the MTMR2 protein (p.Leu575Val). The leucine residue is highly conserved and there is a small physicochemical difference between leucine and valine.